The following is an entry in ClinVar:

ClinVar aggregate classification (germline): Uncertain significance. Review status: criteria provided, multiple submitters, no conflicts (2 of 4 stars). 2 submissions from 2 submitters: Uncertain significance (2). Last evaluated 2023-08-01.

Conditions:
Mitochondrial DNA depletion syndrome 1. Also called: Mitochondrial Neurogastrointestinal Encephalopathy Disease; MITOCHONDRIAL NEUROGASTROINTESTINAL ENCEPHALOPATHY SYNDROME, TYMP-RELATED; MNGIE, TYMP-RELATED; POLIP SYNDROME; POLYNEUROPATHY, OPHTHALMOPLEGIA, LEUKOENCEPHALOPATHY, AND INTESTINAL PSEUDOOBSTRUCTION; Mitochondrial neurogastrointestinal encephalomyopathy syndrome. Identifiers: Orphanet 298, MedGen C4551995, MONDO:0011283, OMIM 603041.

Submissions (2):

CeGaT Center for Human Genetics Tuebingen
Classification: Uncertain significance. Last evaluated: 2023-08-01. Review status: criteria provided, single submitter. Criteria: CeGaT Center For Human Genetics Tuebingen Variant Classification Criteria Version 2. Collection method: clinical testing. Allele origin: germline. Affected: yes. Observed: 1 variant allele.
Comment: TYMP: PM2

Illumina Laboratory Services, Illumina
Classification: Uncertain significance for Mitochondrial DNA depletion syndrome 1. Last evaluated: 2018-01-13. Review status: criteria provided, single submitter. Criteria: ICSL Variant Classification Criteria 13 December 2019. Collection method: clinical testing. Allele origin: germline.

NM_001953.5(TYMP):c.46G>C (p.Gly16Arg)

Gene: TYMP (thymidine phosphorylase; minus strand). Cytogenetic location: 22q13.33.
Variant type: single nucleotide variant.
Coding change: c.46G>C on transcript NM_001953.5 (MANE Select); coding-DNA position 46, G replaced by C.
Protein change: p.Gly16Arg; replaces glycine 16 with arginine.
Molecular consequence: missense variant.
Genome position (GRCh38, 1-based): chr22:50,529,664, C>G on the plus strand (G>C on the coding strand, the complement: TYMP is on the minus strand). VCF-style: chr22-50529664-C-G. GRCh37 (hg19) VCF-style: chr22-50968093-C-G.
Other names: c.46G>C, p.Gly16Arg (NM_001113755.3, NM_001113756.3, NM_001257988.1 and 1 more transcripts); short protein forms G16R.
Identifiers: ClinVar variation 902223 (VCV000902223.28), dbSNP rs769568725, ClinGen allele CA412203062.